The following is an entry in ClinVar:

ClinVar aggregate classification (germline): Likely benign. Review status: criteria provided, multiple submitters, no conflicts (2 of 4 stars). 3 submissions from 3 submitters: Likely benign (3). Last evaluated 2024-06-06.

Allele frequency attached by ClinVar (database versions not stated): TOPMed 0.00002; gnomAD exomes 0.00003; gnomAD 0.00004.
gnomAD v4.1: 64 of 1,538,532 alleles (0.0042%); highest among the groups gnomAD compares: Non-Finnish European, 0.0053%; no homozygotes.

Submissions (3):

Labcorp Genetics (formerly Invitae), Labcorp
Classification: Likely benign. Last evaluated: 2024-06-06. Review status: criteria provided, single submitter. Criteria: Invitae Variant Classification Sherloc (09022015). Collection method: clinical testing. Allele origin: germline.

CeGaT Center for Human Genetics Tuebingen
Classification: Likely benign. Last evaluated: 2023-03-01. Review status: criteria provided, single submitter. Criteria: CeGaT Center For Human Genetics Tuebingen Variant Classification Criteria Version 2. Collection method: clinical testing. Allele origin: germline. Affected: yes. Observed: 1 variant allele.
Comment: TYMP: BP4, BP7

GeneDx
Classification: Likely benign. Last evaluated: 2018-05-25. Review status: criteria provided, single submitter. Criteria: GeneDx Variant Classification (06012015). Collection method: clinical testing. Allele origin: germline. Affected: yes.
Comment: This variant is considered likely benign or benign based on one or more of the following criteria: it is a conservative change, it occurs at a poorly conserved position in the protein, it is predicted to be benign by multiple in silico algorithms, and/or has population frequency not consistent with disease.

NM_001953.5(TYMP):c.789G>A (p.Gly263=)

Gene: TYMP (thymidine phosphorylase; minus strand). Cytogenetic location: 22q13.33.
Variant type: single nucleotide variant.
Coding change: c.789G>A on transcript NM_001953.5 (MANE Select); coding-DNA position 789, G replaced by A.
Protein change: p.Gly263=; no amino-acid change (glycine 263 retained).
Molecular consequence: synonymous variant.
Genome position (GRCh38, 1-based): chr22:50,526,715, C>T on the plus strand (G>A on the coding strand, the complement: TYMP is on the minus strand). VCF-style: chr22-50526715-C-T. GRCh37 (hg19) VCF-style: chr22-50965144-C-T.
Other names: c.789G>A, p.Gly263= (NM_001113755.3, NM_001113756.3, NM_001257988.1 and 1 more transcripts).
Identifiers: ClinVar variation 669825 (VCV000669825.33), dbSNP rs993697938, ClinGen allele CA325561332.